The following is an entry in ClinVar:

ClinVar aggregate classification (germline): Pathogenic/Likely pathogenic. Review status: criteria provided, multiple submitters, no conflicts (2 of 4 stars). 2 submissions from 2 submitters: Pathogenic (1); Likely pathogenic (1). Last evaluated 2024-01-22.

Conditions:
Congenital adrenal hyperplasia due to cytochrome P450 oxidoreductase deficiency. Also called: DISORDERED STEROIDOGENESIS DUE TO POR DEFICIENCY. Identifiers: Orphanet 95699, MedGen C1860042, MONDO:0013310, OMIM 613571.
Antley-Bixler syndrome with genital anomalies and disordered steroidogenesis (ABS1). Also called: POR Deficiency. Identifiers: Orphanet 63269, MedGen C3150099, MONDO:0008726, OMIM 201750.

Submissions (2):

Fulgent Genetics
Classification: Likely pathogenic for Antley-Bixler syndrome with genital anomalies and disordered steroidogenesis; Congenital adrenal hyperplasia due to cytochrome P450 oxidoreductase deficiency. Last evaluated: 2024-01-22. Review status: criteria provided, single submitter. Criteria: ACMG Guidelines, 2015. Collection method: clinical testing. Allele origin: germline.

Labcorp Genetics (formerly Invitae), Labcorp
Classification: Pathogenic for Congenital adrenal hyperplasia due to cytochrome P450 oxidoreductase deficiency. Last evaluated: 2023-11-30. Review status: criteria provided, single submitter. Criteria: Invitae Variant Classification Sherloc (09022015). Collection method: clinical testing. Allele origin: germline.
Comment: This sequence change creates a premature translational stop signal (p.Glu17*) in the POR gene. It is expected to result in an absent or disrupted protein product. Loss-of-function variants in POR are known to be pathogenic (PMID: 14758361, 20732302, 21741353). The frequency data for this variant in the population databases is considered unreliable, as metrics indicate poor data quality at this position in the gnomAD database. This variant has not been reported in the literature in individuals affected with POR-related conditions. For these reasons, this variant has been classified as Pathogenic.

Literature cited by the submitters: PubMed 14758361 (cited by Labcorp Genetics (formerly Invitae), Labcorp); PubMed 20732302 (cited by Labcorp Genetics (formerly Invitae), Labcorp); PubMed 21741353 (cited by Labcorp Genetics (formerly Invitae), Labcorp).

NM_001395413.1(POR):c.40G>T (p.Glu14Ter)

Gene: POR (cytochrome p450 oxidoreductase; plus strand). Cytogenetic location: 7q11.23.
Variant type: single nucleotide variant.
Coding change: c.40G>T on transcript NM_001395413.1 (MANE Select); coding-DNA position 40, G replaced by T.
Protein change: p.Glu14Ter; replaces glutamic acid 14 with a stop codon.
Molecular consequence: nonsense.
Genome position (GRCh38, 1-based): chr7:75,954,041, G>T. VCF-style: chr7-75954041-G-T. GRCh37 (hg19) VCF-style: chr7-75583359-G-T.
Other names: c.49G>T, p.Glu17Ter (NM_000941.2, NM_000941.3); c.40G>T, p.Glu14Ter (NM_001367562.3, NM_001382655.3, NM_001382657.2 and 3 more transcripts); short protein forms E14*, E17*.
Identifiers: ClinVar variation 2715315 (VCV002715315.4), dbSNP rs373053855, ClinGen allele CA4303437.